The following is an entry in ClinVar:

ClinVar aggregate classification (germline): Uncertain significance (1 of 4 stars; one submission).

Submission:

Labcorp Genetics (formerly Invitae), Labcorp
Classification: Uncertain significance. Last evaluated: 2021-06-21. Review status: criteria provided, single submitter. Criteria: Invitae Variant Classification Sherloc (09022015). Collection method: clinical testing. Allele origin: germline.
Comment: This sequence change replaces glutamic acid with aspartic acid at codon 1191 of the HTT protein (p.Glu1191Asp). The glutamic acid residue is weakly conserved and there is a small physicochemical difference between glutamic acid and aspartic acid. This variant is not present in population databases (ExAC no frequency). This variant has not been reported in the literature in individuals with HTT-related conditions. Experimental studies and prediction algorithms are not available or were not evaluated, and the functional significance of this variant is currently unknown. In summary, the available evidence is currently insufficient to determine the role of this variant in disease. Therefore, it has been classified as a Variant of Uncertain Significance.

NM_001388492.1(HTT):c.3567A>T (p.Glu1189Asp)

Gene: HTT (huntingtin; plus strand). Cytogenetic location: 4p16.3.
Variant type: single nucleotide variant.
Coding change: c.3567A>T on transcript NM_001388492.1 (MANE Select); coding-DNA position 3567, A replaced by T.
Protein change: p.Glu1189Asp; replaces glutamic acid 1189 with aspartic acid.
Molecular consequence: missense variant.
Genome position (GRCh38, 1-based): chr4:3,154,361, A>T. VCF-style: chr4-3154361-A-T. GRCh37 (hg19) VCF-style: chr4-3156088-A-T.
Other names: c.3573A>T, p.Glu1191Asp (NM_002111.8); short protein forms E1189D, E1191D.
Identifiers: ClinVar variation 1394970 (VCV001394970.1), dbSNP rs2110211859, ClinGen allele CA356100434.